The following is an entry in ClinVar:

NM_032217.5(ANKRD17):c.4003T>C (p.Phe1335Leu)

Gene: ANKRD17 (ankyrin repeat domain 17; minus strand). Cytogenetic location: 4q13.3.
Variant type: single nucleotide variant.
Coding change: c.4003T>C on transcript NM_032217.5 (MANE Select); coding-DNA position 4003, T replaced by C.
Protein change: p.Phe1335Leu; replaces phenylalanine 1335 with leucine.
Molecular consequence: missense variant.
Genome position (GRCh38, 1-based): chr4:73,120,184, A>G on the plus strand (T>C on the coding strand, the complement: ANKRD17 is on the minus strand). VCF-style: chr4-73120184-A-G. GRCh37 (hg19) VCF-style: chr4-73985901-A-G.
Other names: c.3664T>C, p.Phe1222Leu (NM_001286771.3); c.4000T>C, p.Phe1334Leu (NM_015574.2); c.3250T>C, p.Phe1084Leu (NM_198889.3); short protein forms F1084L, F1222L, F1334L, F1335L.
Identifiers: ClinVar variation 4538821 (VCV004538821.1).
Genomic context (GRCh38, chr4:73,120,184, plus strand): 5'-ACTTGTGTTCATATATGAAGGGTATGGTAACAACATACCTGCCAATAAGAAGCTCACAGA[A>G]TTTGTAATGCCCTTTATCTGCTGCTATGGTTAAAGCTGTATCTCTTGAGGAGGGAACTGG-3'
Protein context (NP_115593.3, residues 1325-1345): TIAADKGHYK[Phe1335Leu]CELLIGRGAH

ClinVar aggregate classification (germline): Uncertain significance (1 of 4 stars; one submission).

Submission:

GeneDx
Classification: Uncertain significance. Last evaluated: 2025-06-21. Review status: criteria provided, single submitter. Criteria: GeneDx Variant Classification Process June 2021. Collection method: clinical testing. Allele origin: germline. Affected: yes.
Comment: Not observed at significant frequency in large population cohorts (gnomAD); In silico analysis supports that this missense variant has a deleterious effect on protein structure/function; Has not been previously published as pathogenic or benign to our knowledge